The following is an entry in ClinVar:

NM_030974.4(SHARPIN):c.154C>A (p.Arg52=)

Genes: SHARPIN (SHANK associated RH domain interactor; minus strand), LOC130001366 (ATAC-STARR-seq lymphoblastoid silent region 19656; plus strand). Cytogenetic location: 8q24.3.
Variant type: single nucleotide variant.
Coding change: c.154C>A on transcript NM_030974.4 (MANE Select); coding-DNA position 154, C replaced by A.
Protein change: p.Arg52=; no amino-acid change (arginine 52 retained).
Molecular consequence: synonymous variant. On other transcripts: non-coding transcript variant (1).
Genome position (GRCh38, 1-based): chr8:144,103,600, G>T on the plus strand (C>A on the coding strand, the complement: SHARPIN is on the minus strand). VCF-style: chr8-144103600-G-T. GRCh37 (hg19) VCF-style: chr8-145158503-G-T.
Identifiers: ClinVar variation 403434 (VCV000403434.5), dbSNP rs11136254, ClinGen allele CA4934023.

ClinVar aggregate classification (germline): Benign. Review status: criteria provided, multiple submitters, no conflicts (2 of 4 stars). 2 submissions from 2 submitters: Benign (2). Last evaluated 2016-03-29.

Allele frequency attached by ClinVar (database versions not stated): ESP Exome Variant Server 0.91490; gnomAD exomes 0.91619 and 0.92724; TOPMed 0.85545; gnomAD 0.85766 and 0.86405; 1000 Genomes Project 30x 0.87976; 1000 Genomes Project 0.88478; ExAC 0.94716.

Submissions (2):

Laboratory for Molecular Medicine, Mass General Brigham Personalized Medicine
Classification: Benign. Last evaluated: 2016-03-29. Review status: criteria provided, single submitter. Criteria: LMM Criteria. Collection method: clinical testing. Allele origin: germline.
Comment: Variant identified in a genome or exome case(s) and assessed due to predicted null impact of the variant or pathogenic assertions in the literature or databases. Disclaimer: This variant has not undergone full assessment. The following are preliminary notes: Frequency

Breakthrough Genomics
Classification: Benign. Review status: criteria provided, single submitter. Criteria: ACMG Guidelines, 2015. Collection method: not provided. Allele origin: germline. Inheritance: Unknown mechanism. Affected: yes.